The following is an entry in ClinVar:

ClinVar aggregate classification (germline): Uncertain significance. Review status: criteria provided, multiple submitters, no conflicts (2 of 4 stars). 2 submissions from 2 submitters: Uncertain significance (2). Last evaluated 2023-12-15.

Conditions:
Inborn genetic diseases. Identifiers: MedGen C0950123, MeSH D030342.

Allele frequency attached by ClinVar (database versions not stated): gnomAD exomes below 0.00001.
gnomAD v4.1: 1 of 1,613,944 alleles (0.000062%); no homozygotes.

Submissions (2):

Ambry Genetics
Classification: Uncertain significance for Inborn genetic diseases. Last evaluated: 2023-12-15. Review status: criteria provided, single submitter. Criteria: Ambry Variant Classification Scheme 2023. Collection method: clinical testing. Allele origin: germline.

Labcorp Genetics (formerly Invitae), Labcorp
Classification: Uncertain significance. Last evaluated: 2023-05-15. Review status: criteria provided, single submitter. Criteria: Invitae Variant Classification Sherloc (09022015). Collection method: clinical testing. Allele origin: germline.
Comment: This variant has not been reported in the literature in individuals affected with PCLO-related conditions. In summary, the available evidence is currently insufficient to determine the role of this variant in disease. Therefore, it has been classified as a Variant of Uncertain Significance. Experimental studies and prediction algorithms are not available or were not evaluated, and the functional significance of this variant is currently unknown. ClinVar contains an entry for this variant (Variation ID: 1428979). The frequency data for this variant in the population databases is considered unreliable, as metrics indicate poor data quality at this position in the gnomAD database. This sequence change replaces lysine, which is basic and polar, with glutamic acid, which is acidic and polar, at codon 2574 of the PCLO protein (p.Lys2574Glu).

NM_033026.6(PCLO):c.7720A>G (p.Lys2574Glu)

Gene: PCLO (piccolo presynaptic cytomatrix protein; minus strand). Cytogenetic location: 7q21.11.
Variant type: single nucleotide variant.
Coding change: c.7720A>G on transcript NM_033026.6 (MANE Select); coding-DNA position 7720, A replaced by G.
Protein change: p.Lys2574Glu; replaces lysine 2574 with glutamic acid.
Molecular consequence: missense variant.
Genome position (GRCh38, 1-based): chr7:82,953,233, T>C on the plus strand (A>G on the coding strand, the complement: PCLO is on the minus strand). VCF-style: chr7-82953233-T-C. GRCh37 (hg19) VCF-style: chr7-82582549-T-C.
Other names: c.7720A>G, p.Lys2574Glu (NM_014510.3); c.7720A>G (NM_033026.5); short protein forms K2574E.
Identifiers: ClinVar variation 1428979 (VCV001428979.5), dbSNP rs1011240924, ClinGen allele CA161146080.
Genomic context (GRCh38, chr7:82,953,233, plus strand): 5'-CTGTTGGAGTCCCTGGTTCAGATGGCAATGTAATAACTACATAAGTTTCTGTGAGGGATT[T>C]GGAAAATCTTGGTGAAGACTTGTTGGAGTGTGGGGAAAGTGGGGAGGTAGGGGAAGGCAA-3'
Protein context (NP_149015.2, residues 2564-2584): HSNKSSPRFS[Lys2574Glu]SLTETYVVIT